The following is an entry in ClinVar:

NM_139076.3(ABRAXAS1):c.988A>T (p.Thr330Ser)

Gene: ABRAXAS1 (abraxas 1, BRCA1 A complex subunit; minus strand). Cytogenetic location: 4q21.23.
Variant type: single nucleotide variant.
Coding change: c.988A>T on transcript NM_139076.3 (MANE Select); coding-DNA position 988, A replaced by T.
Protein change: p.Thr330Ser; replaces threonine 330 with serine.
Molecular consequence: missense variant.
Genome position (GRCh38, 1-based): chr4:83,462,711, T>A on the plus strand (A>T on the coding strand, the complement: ABRAXAS1 is on the minus strand). VCF-style: chr4-83462711-T-A. GRCh37 (hg19) VCF-style: chr4-84383864-T-A.
Other names: c.661A>T, p.Thr221Ser (NM_001345962.2); short protein forms T330S, T221S.
Identifiers: ClinVar variation 2717139 (VCV002717139.3), dbSNP rs2529418612, ClinGen allele CA357255608.

ClinVar aggregate classification (germline): Uncertain significance (1 of 4 stars; one submission).

Submission:

Labcorp Genetics (formerly Invitae), Labcorp
Classification: Uncertain significance. Last evaluated: 2023-06-16. Review status: criteria provided, single submitter. Criteria: Invitae Variant Classification Sherloc (09022015). Collection method: clinical testing. Allele origin: germline.
Comment: In summary, the available evidence is currently insufficient to determine the role of this variant in disease. Therefore, it has been classified as a Variant of Uncertain Significance. Advanced modeling of protein sequence and biophysical properties (such as structural, functional, and spatial information, amino acid conservation, physicochemical variation, residue mobility, and thermodynamic stability) performed at Invitae indicates that this missense variant is not expected to disrupt ABRAXAS1 protein function. This variant has not been reported in the literature in individuals affected with ABRAXAS1-related conditions. This variant is not present in population databases (gnomAD no frequency). This sequence change replaces threonine, which is neutral and polar, with serine, which is neutral and polar, at codon 330 of the ABRAXAS1 protein (p.Thr330Ser).